The following is an entry in ClinVar:

ClinVar aggregate classification (germline): Uncertain significance (1 of 4 stars; one submission).

Conditions:
Catecholaminergic polymorphic ventricular tachycardia 1. Also called: RYR2-Related Catecholaminergic Polymorphic Ventricular Tachycardia; VENTRICULAR TACHYCARDIA, STRESS-INDUCED POLYMORPHIC 1; VENTRICULAR TACHYCARDIA, CATECHOLAMINERGIC POLYMORPHIC, 1, WITH OR WITHOUT ATRIAL DYSFUNCTION AND/OR DILATED CARDIOMYOPATHY. Identifiers: Orphanet 3286, MedGen C1631597, MONDO:0011484, OMIM 604772.

Submission:

Labcorp Genetics (formerly Invitae), Labcorp
Classification: Uncertain significance for Catecholaminergic polymorphic ventricular tachycardia 1. Last evaluated: 2023-04-09. Review status: criteria provided, single submitter. Criteria: Invitae Variant Classification Sherloc (09022015). Collection method: clinical testing. Allele origin: germline.
Comment: In summary, the available evidence is currently insufficient to determine the role of this variant in disease. Therefore, it has been classified as a Variant of Uncertain Significance. This sequence change replaces alanine, which is neutral and non-polar, with threonine, which is neutral and polar, at codon 271 of the RYR2 protein (p.Ala271Thr). This variant is not present in population databases (gnomAD no frequency). This variant has not been reported in the literature in individuals affected with RYR2-related conditions. Advanced modeling of protein sequence and biophysical properties (such as structural, functional, and spatial information, amino acid conservation, physicochemical variation, residue mobility, and thermodynamic stability) performed at Invitae indicates that this missense variant is expected to disrupt RYR2 protein function.

NM_001035.3(RYR2):c.811G>A (p.Ala271Thr)

Gene: RYR2 (ryanodine receptor 2; plus strand). Cytogenetic location: 1q43.
Variant type: single nucleotide variant.
Coding change: c.811G>A on transcript NM_001035.3 (MANE Select); coding-DNA position 811, G replaced by A.
Protein change: p.Ala271Thr; replaces alanine 271 with threonine.
Molecular consequence: missense variant.
Genome position (GRCh38, 1-based): chr1:237,417,086, G>A. VCF-style: chr1-237417086-G-A. GRCh37 (hg19) VCF-style: chr1-237580386-G-A.
Other names: short protein forms A271T.
Identifiers: ClinVar variation 2854216 (VCV002854216.3), dbSNP rs2528016136, ClinGen allele CA345383659.